The following is an entry in ClinVar:

ClinVar aggregate classification (germline): Likely benign. Review status: criteria provided, single submitter (1 of 4 stars). 3 submissions from 3 submitters: Likely benign (1). 2 of the submissions do not count toward it. Last evaluated 2026-04-01.

Allele frequency attached by ClinVar (database versions not stated): 1000 Genomes Project 30x 0.00187; 1000 Genomes Project 0.00200; gnomAD exomes 0.00417 and 0.00659; ExAC 0.00427; TOPMed 0.00465; gnomAD 0.00471 and 0.00478; ESP Exome Variant Server 0.00546.

Submissions (3):

CeGaT Center for Human Genetics Tuebingen
Classification: Likely benign. Last evaluated: 2026-04-01. Review status: criteria provided, single submitter. Criteria: CeGaT Center For Human Genetics Tuebingen Variant Classification Criteria Version 2. Collection method: clinical testing. Allele origin: germline. Affected: yes. Observed: 8 variant alleles.
Comment: NEURL2: BS2

Genome Diagnostics Laboratory, University Medical Center Utrecht
Classification: Likely benign. Review status: no assertion criteria provided. Collection method: clinical testing. Allele origin: germline. Affected: yes. Study: VKGL Data-share Consensus. Not counted in ClinVar's aggregate classification.

Laboratory of Diagnostic Genome Analysis, Leiden University Medical Center (LUMC)
Classification: Likely benign. Review status: no assertion criteria provided. Collection method: clinical testing. Allele origin: germline. Affected: yes. Study: VKGL Data-share Consensus. Not counted in ClinVar's aggregate classification.

NM_080749.4(NEURL2):c.406dup (p.Ser136fs)

Genes: NEURL2 (neuralized E3 ubiquitin protein ligase 2; minus strand), SPATA25 (spermatogenesis associated 25; minus strand). Cytogenetic location: 20q13.12.
Variant type: Duplication.
Coding change: c.406dup on transcript NM_080749.4 (MANE Select); coding-DNA position 406, one base duplicated (A; older notation c.406dupA).
Protein change: p.Ser136fs; shifts the reading frame from serine 136.
Molecular consequence: frameshift variant.
Genome position (GRCh38, 1-based): chr20:45,890,586, T duplicated on the plus strand (A on the coding strand, the reverse complement: NEURL2 is on the minus strand). VCF-style (leftmost placement, unchanged base first): chr20-45890585-C-CT. GRCh37 (hg19) VCF-style: chr20-44519224-C-CT.
Other names: c.406dup, p.Ser136fs (NM_001278535.2); short protein forms S136fs.
Identifiers: ClinVar variation 1206356 (VCV001206356.27), dbSNP rs201802475, ClinGen allele CA9882774.